The following is an entry in ClinVar:

ClinVar aggregate classification (germline): Uncertain significance (1 of 4 stars; one submission).

Submission:

GeneDx
Classification: Uncertain significance. Last evaluated: 2021-04-21. Review status: criteria provided, single submitter. Criteria: GeneDx Variant Classification Process June 2021. Collection method: clinical testing. Allele origin: germline. Affected: yes.
Comment: Not observed in large population cohorts (Lek et al., 2016); Has not been previously published as pathogenic or benign to our knowledge; In-silico analysis, which includes splice predictors and evolutionary conservation, is inconclusive as to whether the variant alters gene splicing. In the absence of RNA/functional studies, the actual effect of this sequence change is unknown.

NM_052867.4(NALCN):c.1977-11C>T

Gene: NALCN (sodium leak channel, non-selective; minus strand). Cytogenetic location: 13q33.1.
Variant type: single nucleotide variant.
Coding change: c.1977-11C>T on transcript NM_052867.4 (MANE Select); 11 bases into the intron before coding-DNA position 1977, C replaced by T.
Molecular consequence: intron variant.
Genome position (GRCh38, 1-based): chr13:101,143,232, G>A on the plus strand (C>T on the coding strand, the complement: NALCN is on the minus strand). VCF-style: chr13-101143232-G-A. GRCh37 (hg19) VCF-style: chr13-101795583-G-A.
Other names: c.1890-11C>T (NM_001350751.2, NM_001350750.2); c.1977-11C>T (NM_001350749.2, NM_001350748.2).
Identifiers: ClinVar variation 1309405 (VCV001309405.2), dbSNP rs2139788580, ClinGen allele CA2573053772.